The following is an entry in ClinVar:

ClinVar aggregate classification (germline): Uncertain significance (1 of 4 stars; one submission).

Allele frequency attached by ClinVar (database versions not stated): gnomAD 0.00001 and 0.00003; TOPMed 0.00002; ExAC 0.00004; gnomAD exomes 0.00004.
gnomAD v4.1: 22 of 1,613,832 alleles (0.0014%); highest among the groups gnomAD compares: East Asian, 0.013%; no homozygotes.

Submission:

Labcorp Genetics (formerly Invitae), Labcorp
Classification: Uncertain significance. Last evaluated: 2022-07-26. Review status: criteria provided, single submitter. Criteria: Invitae Variant Classification Sherloc (09022015). Collection method: clinical testing. Allele origin: germline.
Comment: ClinVar contains an entry for this variant (Variation ID: 1436813). This variant has not been reported in the literature in individuals affected with NBAS-related conditions. This variant is present in population databases (rs575445500, gnomAD 0.03%). This sequence change replaces arginine, which is basic and polar, with cysteine, which is neutral and slightly polar, at codon 2156 of the NBAS protein (p.Arg2156Cys). Algorithms developed to predict the effect of missense changes on protein structure and function (SIFT, PolyPhen-2, Align-GVGD) all suggest that this variant is likely to be disruptive. In summary, the available evidence is currently insufficient to determine the role of this variant in disease. Therefore, it has been classified as a Variant of Uncertain Significance.

NM_015909.4(NBAS):c.6466C>T (p.Arg2156Cys)

Gene: NBAS (NBAS subunit of NRZ tethering complex; minus strand). Cytogenetic location: 2p24.3.
Variant type: single nucleotide variant.
Coding change: c.6466C>T on transcript NM_015909.4 (MANE Select); coding-DNA position 6466, C replaced by T.
Protein change: p.Arg2156Cys; replaces arginine 2156 with cysteine.
Molecular consequence: missense variant. On other transcripts: non-coding transcript variant (1).
Genome position (GRCh38, 1-based): chr2:15,190,370, G>A on the plus strand (C>T on the coding strand, the complement: NBAS is on the minus strand). VCF-style: chr2-15190370-G-A. GRCh37 (hg19) VCF-style: chr2-15330494-G-A.
Other names: short protein forms R2156C.
Identifiers: ClinVar variation 1436813 (VCV001436813.4), dbSNP rs575445500, ClinGen allele CA1534998.